The following is an entry in ClinVar:

ClinVar aggregate classification (germline): Uncertain significance (1 of 4 stars; one submission).

gnomAD v4.1: 34 of 1,360,168 alleles (0.0025%); highest among the groups gnomAD compares: Non-Finnish European, 0.0031%; no homozygotes.

Submission:

Labcorp Genetics (formerly Invitae), Labcorp
Classification: Uncertain significance. Last evaluated: 2021-09-02. Review status: criteria provided, single submitter. Criteria: Invitae Variant Classification Sherloc (09022015). Collection method: clinical testing. Allele origin: germline.
Comment: This sequence change replaces leucine with valine at codon 318 of the SAMD11 protein (p.Leu318Val). The leucine residue is moderately conserved and there is a small physicochemical difference between leucine and valine. The frequency data for this variant in the population databases is considered unreliable, as metrics indicate insufficient coverage at this position in the ExAC database. This variant has not been reported in the literature in individuals affected with SAMD11-related conditions. Algorithms developed to predict the effect of missense changes on protein structure and function are either unavailable or do not agree on the potential impact of this missense change (SIFT: "Deleterious"; PolyPhen-2: "Possibly Damaging"; Align-GVGD: "Class C0"). In summary, the available evidence is currently insufficient to determine the role of this variant in disease. Therefore, it has been classified as a Variant of Uncertain Significance.

NM_001385641.1(SAMD11):c.1441C>G (p.Leu481Val)

Gene: SAMD11 (sterile alpha motif domain containing 11; plus strand). Cytogenetic location: 1p36.33.
Variant type: single nucleotide variant.
Coding change: c.1441C>G on transcript NM_001385641.1 (MANE Select); coding-DNA position 1441, C replaced by G.
Protein change: p.Leu481Val; replaces leucine 481 with valine.
Molecular consequence: missense variant.
Genome position (GRCh38, 1-based): chr1:942,218, C>G. VCF-style: chr1-942218-C-G. GRCh37 (hg19) VCF-style: chr1-877598-C-G.
Other names: c.1444C>G, p.Leu482Val (NM_001385640.1); c.952C>G, p.Leu318Val (NM_152486.4); short protein forms L318V, L481V, L482V.
Identifiers: ClinVar variation 1524254 (VCV001524254.5), dbSNP rs1001357452, ClinGen allele CA16724051.
Genomic context (GRCh38, chr1:942,218, plus strand): 5'-TTGCTGTCGCCGCAGAATGCCCCTCACGTCGCCCTGGGCCCCCATCTCAGGCCCCCCTTC[C>G]TGGGGGTGCCCTCGGCTCTGTGCCAGACCCCAGGTGAGGAGGCGGGTGCGCATCCCCTGG-3'
Protein context (NP_001372570.1, residues 471-491): ALGPHLRPPF[Leu481Val]GVPSALCQTP